The following is an entry in ClinVar:

ClinVar aggregate classification (germline): Uncertain significance (0 of 4 stars; one submission).

Conditions:
COL1A1-related disorder. Also called: COL1A1- related disease; COL1A1-related condition.

Submission:

PreventionGenetics, part of Exact Sciences
Classification: Uncertain significance for COL1A1-related condition. Last evaluated: 2024-06-12. Review status: no assertion criteria provided. Collection method: clinical testing. Allele origin: germline.
Comment: The COL1A1 c.4208A>G variant is predicted to result in the amino acid substitution p.Asn1403Ser. To our knowledge, this variant has not been reported in the literature or in a large population database, indicating this variant is rare. At this time, the clinical significance of this variant is uncertain due to the absence of conclusive functional and genetic evidence.

NM_000088.4(COL1A1):c.4208A>G (p.Asn1403Ser)

Gene: COL1A1 (collagen type I alpha 1 chain; minus strand). Cytogenetic location: 17q21.33.
Variant type: single nucleotide variant.
Coding change: c.4208A>G on transcript NM_000088.4 (MANE Select); coding-DNA position 4208, A replaced by G.
Protein change: p.Asn1403Ser; replaces asparagine 1403 with serine.
Molecular consequence: missense variant.
Genome position (GRCh38, 1-based): chr17:50,185,818, T>C on the plus strand (A>G on the coding strand, the complement: COL1A1 is on the minus strand). VCF-style: chr17-50185818-T-C. GRCh37 (hg19) VCF-style: chr17-48263179-T-C.
Other names: short protein forms N1403S.
Identifiers: ClinVar variation 3346201 (VCV003346201.1).